The following is an entry in ClinVar:

NM_001267550.2(TTN):c.70055_70059del (p.Arg23352fs)

Genes: TTN-AS1 (TTN antisense RNA 1; plus strand), TTN (titin; minus strand), LOC126806422 (BRD4-independent group 4 enhancer GRCh37_chr2:179440205-179441404; plus strand). Cytogenetic location: 2q31.2.
Variant type: Deletion.
Coding change: c.70055_70059del on transcript NM_001267550.2 (MANE Select); coding-DNA positions 70055 to 70059, 5 bases deleted (GAACA; older notation c.70055_70059delGAACA).
Protein change: p.Arg23352fs; shifts the reading frame from arginine 23352.
Molecular consequence: frameshift variant.
Genome position (GRCh38, 1-based): chr2:178,576,073-178,576,077, TGTTC deleted on the plus strand (GAACA on the coding strand, the reverse complement: TTN is on the minus strand); deleting any 5 consecutive bases within chr2:178,576,073-178,576,078 gives the same sequence; the c. name uses the placement nearest the transcript's 3' end. VCF-style (leftmost placement, unchanged base first): chr2-178576072-GTGTTC-G. GRCh37 (hg19) VCF-style: chr2-179440799-GTGTTC-G.
Other names: c.65132_65136del, p.Arg21711fs (NM_001256850.1); c.42860_42864del, p.Arg14287fs (NM_003319.4); c.62351_62355del, p.Arg20784fs (NM_133378.4); c.43235_43239del, p.Arg14412fs (NM_133432.3); c.43436_43440del, p.Arg14479fs (NM_133437.4); short protein forms R14412fs, R14479fs, R21711fs, R20784fs, R23352fs, R14287fs.
Identifiers: ClinVar variation 4785093 (VCV004785093.1).

ClinVar aggregate classification (germline): Likely pathogenic (1 of 4 stars; one submission).

Conditions:
Autosomal recessive limb-girdle muscular dystrophy type 2J (LGMDR10). Also called: Limb-girdle muscular dystrophy, type 2J; MUSCULAR DYSTROPHY, LIMB-GIRDLE, AUTOSOMAL RECESSIVE 10. Identifiers: Orphanet 140922, MedGen C1837342, MONDO:0012127, OMIM 608807.
Dilated cardiomyopathy 1G (CMD1G). Identifiers: Orphanet 154, MedGen C1858763, MONDO:0011400, OMIM 604145.

Submission:

Labcorp Genetics (formerly Invitae), Labcorp
Classification: Likely pathogenic for Dilated cardiomyopathy 1G; Autosomal recessive limb-girdle muscular dystrophy type 2J. Last evaluated: 2025-10-02. Review status: criteria provided, single submitter. Criteria: Invitae Variant Classification Sherloc (09022015). Collection method: clinical testing. Allele origin: germline.
Comment: This sequence change creates a premature translational stop signal (p.Arg23352Thrfs*4) in the TTN gene. While this is not anticipated to result in nonsense mediated decay, it is expected to create a truncated TTN protein. This variant is not present in population databases (gnomAD no frequency). This variant has not been reported in the literature in individuals affected with TTN-related conditions. This variant is located in the A band of TTN (PMID: 25589632). Truncating variants in this region are significantly overrepresented in patients affected with dilated cardiomyopathy (PMID: 25589632). Truncating variants in this region have also been reported in individuals affected with autosomal recessive centronuclear myopathy (PMID: 23975875). In summary, the currently available evidence indicates that the variant is pathogenic, but additional data are needed to prove that conclusively. Therefore, this variant has been classified as Likely Pathogenic.

Literature cited by the submitters: PubMed 25589632; PubMed 23975875.